The following is an entry in ClinVar:

NM_000135.4(FANCA):c.2674T>A (p.Ser892Thr)

Genes: FANCA (FA complementation group A; minus strand), LOC130059837 (ATAC-STARR-seq lymphoblastoid active region 11420; plus strand). Cytogenetic location: 16q24.3.
Variant type: single nucleotide variant.
Coding change: c.2674T>A on transcript NM_000135.4 (MANE Select); coding-DNA position 2674, T replaced by A.
Protein change: p.Ser892Thr; replaces serine 892 with threonine.
Molecular consequence: missense variant.
Genome position (GRCh38, 1-based): chr16:89,764,994, A>T on the plus strand (T>A on the coding strand, the complement: FANCA is on the minus strand). VCF-style: chr16-89764994-A-T. GRCh37 (hg19) VCF-style: chr16-89831402-A-T.
Other names: c.2674T>A, p.Ser892Thr (NM_001286167.3); short protein forms S892T.
Identifiers: ClinVar variation 2050042 (VCV002050042.5), dbSNP rs778179583, ClinGen allele CA397438524.

ClinVar aggregate classification (germline): Uncertain significance. Review status: criteria provided, multiple submitters, no conflicts (2 of 4 stars). 2 submissions from 2 submitters: Uncertain significance (2). Last evaluated 2026-09-07.

Conditions:
Inborn genetic diseases. Identifiers: MedGen C0950123, MeSH D030342.
Fanconi anemia (FA). Also called: Fanconi's anemia. Identifiers: Orphanet 84, MedGen C0015625, MeSH D005199, MONDO:0019391.

Submissions (2):

Ambry Genetics
Classification: Uncertain significance for Inborn genetic diseases. Last evaluated: 2026-09-07. Review status: criteria provided, single submitter. Criteria: Ambry Variant Classification Scheme 2023. Collection method: clinical testing. Allele origin: germline.
Comment: The p.S892T variant (also known as c.2674T>A), located in coding exon 28 of the FANCA gene, results from a T to A substitution at nucleotide position 2674. The serine at codon 892 is replaced by threonine, an amino acid with similar properties. This amino acid position is conserved. In addition, this alteration is predicted to be tolerated by in silico analysis. Based on the available evidence, the clinical significance of this variant remains unclear.

Labcorp Genetics (formerly Invitae), Labcorp
Classification: Uncertain significance for Fanconi anemia. Last evaluated: 2023-02-09. Review status: criteria provided, single submitter. Criteria: Invitae Variant Classification Sherloc (09022015). Collection method: clinical testing. Allele origin: germline.
Comment: This sequence change replaces serine, which is neutral and polar, with threonine, which is neutral and polar, at codon 892 of the FANCA protein (p.Ser892Thr). This variant is not present in population databases (gnomAD no frequency). This variant has not been reported in the literature in individuals affected with FANCA-related conditions. Advanced modeling of protein sequence and biophysical properties (such as structural, functional, and spatial information, amino acid conservation, physicochemical variation, residue mobility, and thermodynamic stability) performed at Invitae indicates that this missense variant is not expected to disrupt FANCA protein function. Algorithms developed to predict the effect of sequence changes on RNA splicing suggest that this variant may create or strengthen a splice site. In summary, the available evidence is currently insufficient to determine the role of this variant in disease. Therefore, it has been classified as a Variant of Uncertain Significance.